The following is an entry in ClinVar:

NM_182916.3(TRNT1):c.148+150C>T

Gene: TRNT1 (tRNA nucleotidyl transferase 1; plus strand). Cytogenetic location: 3p26.2.
Variant type: single nucleotide variant.
Coding change: c.148+150C>T on transcript NM_182916.3 (MANE Select); 150 bases into the intron after coding-DNA position 148, C replaced by T.
Molecular consequence: intron variant.
Genome position (GRCh38, 1-based): chr3:3,129,338, C>T. VCF-style: chr3-3129338-C-T. GRCh37 (hg19) VCF-style: chr3-3171022-C-T.
Other names: c.148+150C>T (NM_001367321.1, NM_001367323.1, NM_001367322.1 and 1 more transcripts).
Identifiers: ClinVar variation 684281 (VCV000684281.2), dbSNP rs3762759, ClinGen allele CA11564856.

ClinVar aggregate classification (germline): Benign. Review status: criteria provided, multiple submitters, no conflicts (2 of 4 stars). 2 submissions from 2 submitters: Benign (2). Last evaluated 2018-06-14.

Allele frequency attached by ClinVar (database versions not stated): gnomAD 0.19230 and 0.20519; TOPMed 0.20307; 1000 Genomes Project 30x 0.31152; 1000 Genomes Project 0.32308.
gnomAD v4.1: 162,191 of 759,098 alleles (21%); highest among the groups gnomAD compares: East Asian, 72%; 24,247 homozygotes.

Submissions (2):

GeneDx
Classification: Benign. Last evaluated: 2018-06-14. Review status: criteria provided, single submitter. Criteria: GeneDx Variant Classification (06012015). Collection method: clinical testing. Allele origin: germline. Affected: yes.
Comment: This variant is considered likely benign or benign based on one or more of the following criteria: it is a conservative change, it occurs at a poorly conserved position in the protein, it is predicted to be benign by multiple in silico algorithms, and/or has population frequency not consistent with disease.

Breakthrough Genomics
Classification: Benign. Review status: criteria provided, single submitter. Criteria: ACMG Guidelines, 2015. Collection method: not provided. Allele origin: germline. Inheritance: Autosomal recessive inheritance. Affected: yes.